The following is an entry in ClinVar:

ClinVar aggregate classification (germline): Likely benign. Review status: criteria provided, multiple submitters, no conflicts (2 of 4 stars). 2 submissions from 2 submitters: Likely benign (2). Last evaluated 2025-03-23.

Conditions:
Familial hypercholesterolemia. Also called: Familial hypercholesterolaemia. Identifiers: MedGen C0020445, MONDO:0005439.
Cardiovascular phenotype. Identifiers: MedGen CN230736.

gnomAD v4.1: 3 of 1,613,548 alleles (0.00019%); highest among the groups gnomAD compares: Non-Finnish European, 0.00025%; no homozygotes.

Submissions (2):

Ambry Genetics
Classification: Likely benign for Cardiovascular phenotype. Last evaluated: 2025-03-23. Review status: criteria provided, single submitter. Criteria: Ambry Variant Classification Scheme 2023. Collection method: clinical testing. Allele origin: germline.

GENinCode PLC
Classification: Likely benign for Familial hypercholesterolemia. Last evaluated: 2023-05-26. Review status: criteria provided, single submitter. Criteria: ACMG Guidelines, 2015. Collection method: clinical testing. Allele origin: germline.
Comment: This is a synonymous (silent) variant that is not predicted by SpliceAI to impact splicing. In addition, it occurs at a nucleotide that is not conserved. Therefore this variant has been classified as Likely Benign (BP4, BP7).

NM_000384.3(APOB):c.294C>T (p.Thr98=)

Gene: APOB (apolipoprotein B; minus strand). Cytogenetic location: 2p24.1.
Variant type: single nucleotide variant.
Coding change: c.294C>T on transcript NM_000384.3 (MANE Select); coding-DNA position 294, C replaced by T.
Protein change: p.Thr98=; no amino-acid change (threonine 98 retained).
Molecular consequence: synonymous variant.
Genome position (GRCh38, 1-based): chr2:21,041,027, G>A on the plus strand (C>T on the coding strand, the complement: APOB is on the minus strand). VCF-style: chr2-21041027-G-A. GRCh37 (hg19) VCF-style: chr2-21263899-G-A.
Other names: c.294C>T (NM_000384.2).
Identifiers: ClinVar variation 3392994 (VCV003392994.2).